The following is an entry in ClinVar:

NM_024598.4(USB1):c.503+1G>A

Gene: USB1 (U6 snRNA biogenesis phosphodiesterase 1; plus strand). Cytogenetic location: 16q21.
Variant type: single nucleotide variant.
Coding change: c.503+1G>A on transcript NM_024598.4 (MANE Select); the canonical splice donor site of the intron after coding-DNA position 503, G replaced by A.
Molecular consequence: splice donor variant. On other transcripts: intron variant (1).
Genome position (GRCh38, 1-based): chr16:58,014,327, G>A. VCF-style: chr16-58014327-G-A. GRCh37 (hg19) VCF-style: chr16-58048231-G-A.
Other names: c.350+1G>A (NM_001330568.2); c.450-3007G>A (NM_001195302.2).
Identifiers: ClinVar variation 2182373 (VCV002182373.4), dbSNP rs1246299084, ClinGen allele CA396129835.
Genomic context (GRCh38, chr16:58,014,327, plus strand): 5'-TTTCAGATTCTTCTTTACTGCCAACCAGGTAAAGATTTACACCAATCAAGAGAAAACCAG[G>A]TGGGTCCTCCCAACCCCCAATCACCATCAGAGGAAGATTCTTTGGTGCAAAAATTGAGTG-3'

ClinVar aggregate classification (germline): Likely pathogenic (1 of 4 stars; one submission).

gnomAD v4.1: 1 of 1,613,320 alleles (0.000062%); highest among the groups gnomAD compares: Non-Finnish European, 0.000085%; no homozygotes.

Submission:

Labcorp Genetics (formerly Invitae), Labcorp
Classification: Likely pathogenic. Last evaluated: 2024-02-29. Review status: criteria provided, single submitter. Criteria: Invitae Variant Classification Sherloc (09022015). Collection method: clinical testing. Allele origin: germline.
Comment: This sequence change affects a donor splice site in intron 4 of the USB1 gene. It is expected to disrupt RNA splicing. Variants that disrupt the donor or acceptor splice site typically lead to a loss of protein function (PMID: 16199547), and loss-of-function variants in USB1 are known to be pathogenic (PMID: 20817924, 25044170). This variant is not present in population databases (gnomAD no frequency). This variant has not been reported in the literature in individuals affected with USB1-related conditions. ClinVar contains an entry for this variant (Variation ID: 2182373). Algorithms developed to predict the effect of sequence changes on RNA splicing suggest that this variant may disrupt the consensus splice site. In summary, the currently available evidence indicates that the variant is pathogenic, but additional data are needed to prove that conclusively. Therefore, this variant has been classified as Likely Pathogenic.

Literature cited by the submitters: PubMed 16199547; PubMed 20817924; PubMed 25044170.